The following is an entry in ClinVar:

NM_001369.3(DNAH5):c.10690A>C (p.Ser3564Arg)

Gene: DNAH5 (dynein axonemal heavy chain 5; minus strand). Cytogenetic location: 5p15.2.
Variant type: single nucleotide variant.
Coding change: c.10690A>C on transcript NM_001369.3 (MANE Select); coding-DNA position 10690, A replaced by C.
Protein change: p.Ser3564Arg; replaces serine 3564 with arginine.
Molecular consequence: missense variant.
Genome position (GRCh38, 1-based): chr5:13,753,415, T>G on the plus strand (A>C on the coding strand, the complement: DNAH5 is on the minus strand). VCF-style: chr5-13753415-T-G. GRCh37 (hg19) VCF-style: chr5-13753524-T-G.
Other names: short protein forms S3564R.
Identifiers: ClinVar variation 1372831 (VCV001372831.8), dbSNP rs2126701456, ClinGen allele CA359191762.

ClinVar aggregate classification (germline): Uncertain significance (1 of 4 stars; one submission).

Conditions:
Primary ciliary dyskinesia. Also called: Ciliary dyskinesia. Identifiers: Orphanet 244, MedGen C0008780, MONDO:0016575, HP:0012265.

Submission:

Labcorp Genetics (formerly Invitae), Labcorp
Classification: Uncertain significance for Primary ciliary dyskinesia. Last evaluated: 2021-02-15. Review status: criteria provided, single submitter. Criteria: Invitae Variant Classification Sherloc (09022015). Collection method: clinical testing. Allele origin: germline.
Comment: This variant has not been reported in the literature in individuals with DNAH5-related conditions. In summary, the available evidence is currently insufficient to determine the role of this variant in disease. Therefore, it has been classified as a Variant of Uncertain Significance. Advanced modeling of protein sequence and biophysical properties (such as structural, functional, and spatial information, amino acid conservation, physicochemical variation, residue mobility, and thermodynamic stability) performed at Invitae indicates that this missense variant is not expected to disrupt DNAH5 protein function. This variant is not present in population databases (ExAC no frequency). This sequence change replaces serine with arginine at codon 3564 of the DNAH5 protein (p.Ser3564Arg). The serine residue is weakly conserved and there is a moderate physicochemical difference between serine and arginine.